The following is an entry in ClinVar:

ClinVar aggregate classification (germline): Likely benign (0 of 4 stars; one submission).

Conditions:
PRDM9-related disorder. Also called: PRDM9-related condition.

Allele frequency attached by ClinVar (database versions not stated): gnomAD 0.00230; ESP Exome Variant Server 0.00273; TOPMed 0.00232; gnomAD exomes 0.00373; 1000 Genomes Project 0.00100; 1000 Genomes Project 30x 0.00125; ExAC 0.00179.
gnomAD v4.1: 5,785 of 1,613,894 alleles (0.36%); highest among the groups gnomAD compares: Non-Finnish European, 0.45%; 15 homozygotes.

Submission:

PreventionGenetics, part of Exact Sciences
Classification: Likely benign for PRDM9-related condition. Last evaluated: 2022-08-11. Review status: no assertion criteria provided. Collection method: clinical testing. Allele origin: germline.
Comment: This variant is classified as likely benign based on ACMG/AMP sequence variant interpretation guidelines (Richards et al. 2015 PMID: 25741868, with internal and published modifications).

NM_020227.4(PRDM9):c.968G>A (p.Arg323Gln)

Gene: PRDM9 (PR/SET domain 9; plus strand). Cytogenetic location: 5p14.2.
Variant type: single nucleotide variant.
Coding change: c.968G>A on transcript NM_020227.4 (MANE Select); coding-DNA position 968, G replaced by A.
Protein change: p.Arg323Gln; replaces arginine 323 with glutamine.
Molecular consequence: missense variant.
Genome position (GRCh38, 1-based): chr5:23,524,351, G>A. VCF-style: chr5-23524351-G-A. GRCh37 (hg19) VCF-style: chr5-23524460-G-A.
Other names: c.968G>A, p.Arg323Gln (NM_001310214.3, NM_001376900.1); short protein forms R323Q.
Identifiers: ClinVar variation 3052780 (VCV003052780.2), dbSNP rs183638311, ClinGen allele CA3214779.